The following is an entry in ClinVar:

ClinVar aggregate classification (germline): Uncertain significance (1 of 4 stars; one submission).

gnomAD v4.1: 3 of 1,545,104 alleles (0.00019%); highest among the groups gnomAD compares: African/African-American, 0.0027%; no homozygotes.

Submission:

Labcorp Genetics (formerly Invitae), Labcorp
Classification: Uncertain significance. Last evaluated: 2023-11-27. Review status: criteria provided, single submitter. Criteria: Invitae Variant Classification Sherloc (09022015). Collection method: clinical testing. Allele origin: germline.
Comment: This sequence change replaces threonine, which is neutral and polar, with isoleucine, which is neutral and non-polar, at codon 5650 of the ADGRV1 protein (p.Thr5650Ile). This variant is not present in population databases (gnomAD no frequency). This variant has not been reported in the literature in individuals affected with ADGRV1-related conditions. ClinVar contains an entry for this variant (Variation ID: 1021102). Advanced modeling of protein sequence and biophysical properties (such as structural, functional, and spatial information, amino acid conservation, physicochemical variation, residue mobility, and thermodynamic stability) performed at Invitae indicates that this missense variant is not expected to disrupt ADGRV1 protein function with a negative predictive value of 95%. In summary, the available evidence is currently insufficient to determine the role of this variant in disease. Therefore, it has been classified as a Variant of Uncertain Significance.

NM_032119.4(ADGRV1):c.16949C>T (p.Thr5650Ile)

Gene: ADGRV1 (adhesion G protein-coupled receptor V1; plus strand). Cytogenetic location: 5q14.3.
Variant type: single nucleotide variant.
Coding change: c.16949C>T on transcript NM_032119.4 (MANE Select); coding-DNA position 16949, C replaced by T.
Protein change: p.Thr5650Ile; replaces threonine 5650 with isoleucine.
Molecular consequence: missense variant. On other transcripts: non-coding transcript variant (1).
Genome position (GRCh38, 1-based): chr5:90,840,915, C>T. VCF-style: chr5-90840915-C-T. GRCh37 (hg19) VCF-style: chr5-90136732-C-T.
Other names: short protein forms T5650I.
Identifiers: ClinVar variation 1021102 (VCV001021102.8), dbSNP rs61748627, ClinGen allele CA122807012.